The following is an entry in ClinVar:

NM_001034853.2(RPGR):c.597T>C (p.Tyr199=)

Gene: RPGR (retinitis pigmentosa GTPase regulator; minus strand). Cytogenetic location: Xp11.4.
Variant type: single nucleotide variant.
Coding change: c.597T>C on transcript NM_001034853.2 (MANE Select); coding-DNA position 597, T replaced by C.
Protein change: p.Tyr199=; no amino-acid change (tyrosine 199 retained).
Molecular consequence: synonymous variant. On other transcripts: non-coding transcript variant (5).
Genome position (GRCh38, 1-based): chrX:38,317,338, A>G on the plus strand (T>C on the coding strand, the complement: RPGR is on the minus strand). VCF-style: chrX-38317338-A-G. GRCh37 (hg19) VCF-style: chrX-38176591-A-G.
Other names: c.597T>C, p.Tyr199= (NM_000328.3, NM_001367245.1, NM_001367246.1 and 3 more transcripts); c.627T>C, p.Tyr209= (NM_001367248.1); c.594T>C, p.Tyr198= (NM_001367249.1).
Identifiers: ClinVar variation 3341960 (VCV003341960.16).

ClinVar aggregate classification (germline): Uncertain significance (1 of 4 stars; one submission).

gnomAD v4.1: 14 of 1,210,766 alleles (0.0012%); highest among the groups gnomAD compares: Non-Finnish European, 0.0016%; no homozygotes.

Submission:

CeGaT Center for Human Genetics Tuebingen
Classification: Uncertain significance. Last evaluated: 2024-08-01. Review status: criteria provided, single submitter. Criteria: CeGaT Center For Human Genetics Tuebingen Variant Classification Criteria Version 2. Collection method: clinical testing. Allele origin: germline. Affected: yes. Observed: 1 variant allele.
Comment: RPGR: PM2:Supporting, BP4